The following is an entry in ClinVar:

NM_000548.5(TSC2):c.3340_3351del (p.Ser1114_Gly1117del)

Gene: TSC2 (TSC complex subunit 2; plus strand). Cytogenetic location: 16p13.3.
Variant type: Deletion.
Coding change: c.3340_3351del on transcript NM_000548.5 (MANE Select); coding-DNA positions 3340 to 3351, 12 bases deleted (TCCCAGGCTGGG).
Protein change: p.Ser1114_Gly1117del.
Molecular consequence: inframe deletion.
Genome position (GRCh38, 1-based): chr16:2,079,612-2,079,623, TCCCAGGCTGGG deleted; deleting any 12 consecutive bases within chr16:2,079,611-2,079,623 gives the same sequence; the c. name uses the placement nearest the transcript's 3' end. VCF-style (leftmost placement, unchanged base first): chr16-2079610-AGTCCCAGGCTGG-A. GRCh37 (hg19) VCF-style: chr16-2129611-AGTCCCAGGCTGG-A.
Other names: c.3340_3351del12 (NM_000548.3); c.3208_3219del, p.Ser1070_Gly1073del (NM_001077183.3, NM_001370404.1); c.3340_3351del, p.Ser1114_Gly1117del (NM_001114382.3); c.3100_3111del, p.Ser1034_Gly1037del (NM_001318827.2); c.3064_3075del, p.Ser1022_Gly1025del (NM_001318829.2); c.2608_2619del, p.Ser870_Gly873del (NM_001318831.2); c.3241_3252del, p.Ser1081_Gly1084del (NM_001318832.2); c.3211_3222del, p.Ser1071_Gly1074del (NM_001363528.2, NM_001370405.1, NM_021055.3).
Identifiers: ClinVar variation 842248 (VCV000842248.12), dbSNP rs2089874614, ClinGen allele CA916081791.

ClinVar aggregate classification (germline): Uncertain significance. Review status: criteria provided, multiple submitters, no conflicts (2 of 4 stars). 2 submissions from 2 submitters: Uncertain significance (2). Last evaluated 2024-08-29.

Conditions:
Tuberous sclerosis 2 (TSC2). Identifiers: Orphanet 805, MedGen C1860707, MONDO:0013199, OMIM 613254.
Hereditary cancer-predisposing syndrome. Also called: Neoplastic Syndromes, Hereditary; Hereditary neoplastic syndrome; Tumor predisposition; Hereditary Cancer Syndrome. Identifiers: Orphanet 140162, MedGen C0027672, MeSH D009386, MONDO:0015356.

Submissions (2):

Labcorp Genetics (formerly Invitae), Labcorp
Classification: Uncertain significance for Tuberous sclerosis 2. Last evaluated: 2024-08-29. Review status: criteria provided, single submitter. Criteria: Invitae Variant Classification Sherloc (09022015). Collection method: clinical testing. Allele origin: germline.
Comment: This variant, c.3340_3351del, results in the deletion of 4 amino acid(s) of the TSC2 protein (p.Ser1114_Gly1117del), but otherwise preserves the integrity of the reading frame. This variant is not present in population databases (gnomAD no frequency). This variant has not been reported in the literature in individuals affected with TSC2-related conditions. ClinVar contains an entry for this variant (Variation ID: 842248). Experimental studies and prediction algorithms are not available or were not evaluated, and the functional significance of this variant is currently unknown. In summary, the available evidence is currently insufficient to determine the role of this variant in disease. Therefore, it has been classified as a Variant of Uncertain Significance.

Ambry Genetics
Classification: Uncertain significance for Hereditary cancer-predisposing syndrome. Last evaluated: 2021-09-20. Review status: criteria provided, single submitter. Criteria: Ambry Variant Classification Scheme 2023. Collection method: clinical testing. Allele origin: germline.
Comment: The c.3340_3351del12 variant (also known as p.S1114_G1117del) is located in coding exon 28 of the TSC2 gene. This variant results from an in-frame TCCCAGGCTGGG deletion at nucleotide positions 3340 to 3351. This results in the in-frame deletion of a at codon 1114. This amino acid region is not well conserved in available vertebrate species. In addition, this alteration is predicted to be deleterious by in silico analysis (Choi Y et al. PLoS ONE. 2012; 7(10):e46688). This variant is considered to be rare based on population cohorts in the Genome Aggregation Database (gnomAD). Since supporting evidence is limited at this time, the clinical significance of this alteration remains unclear.